The following is an entry in ClinVar:

NM_000518.5(HBB):c.380T>C (p.Val127Ala)

Genes: HBB (hemoglobin subunit beta; minus strand), LOC107133510 (origin of replication at HBB; plus strand), LOC110006319 (beta-globin gene 3' regulatory region; plus strand). Cytogenetic location: 11p15.4.
Variant type: single nucleotide variant.
Coding change: c.380T>C on transcript NM_000518.5 (MANE Select); coding-DNA position 380, T replaced by C.
Protein change: p.Val127Ala; replaces valine 127 with alanine.
Molecular consequence: missense variant.
Genome position (GRCh38, 1-based): chr11:5,225,662, A>G on the plus strand (T>C on the coding strand, the complement: HBB is on the minus strand). VCF-style: chr11-5225662-A-G. GRCh37 (hg19) VCF-style: chr11-5246892-A-G.
Other names: V126A; short protein forms V127A.
Identifiers: ClinVar variation 15106 (VCV000015106.19), dbSNP rs33925391, ClinGen allele CA124740.

ClinVar aggregate classification (germline): Conflicting classifications of pathogenicity. Review status: criteria provided, conflicting classifications (1 of 4 stars). 5 submissions from 5 submitters: Uncertain significance (3); Likely benign (1). 1 of the submissions does not count toward it. Last evaluated 2024-05-09.

Conditions:
Hb SS disease (SCD). Also called: Hemoglobin SS; Sickle cell anemia; Sickle cell disease; HbS disease; Hemoglobin S Disease; Sickling disorder due to hemoglobin S. Identifiers: Orphanet 232, Orphanet 275752, MedGen C0002895, MONDO:0011382, OMIM 603903.
Heinz body anemia. Also called: Heinz body hemolytic anemia. Identifiers: Orphanet 178330, MedGen C0700299, MONDO:0007705, OMIM 140700, HP:0005511.
Dominant beta-thalassemia. Also called: Beta-thalassemia, dominant inclusion body type. Identifiers: Orphanet 231226, Orphanet 848, MedGen C1858990, MONDO:0011381, OMIM 603902.
Beta-thalassemia HBB/LCRB. Identifiers: MedGen CN322236, MONDO:0013517, OMIM 613985.
Erythrocytosis, familial, 6. Also called: POLYCYTHEMIA, BETA-GLOBIN TYPE; ERYTHROCYTOSIS, BETA-GLOBIN TYPE. Identifiers: MedGen C4693822, MONDO:0054801, OMIM 617980.
METHEMOGLOBINEMIA, BETA TYPE. Also called: Methemoglobinemia, beta-globin type. Identifiers: MedGen C1840779, OMIM 617971.
Malaria, susceptibility to. Identifiers: Orphanet 673, MedGen C1970028, MONDO:0021024, OMIM 611162.
Hereditary persistence of fetal hemoglobin. Identifiers: MedGen C0019025, MONDO:0020989, OMIM 141749.
HEMOGLOBIN BEIRUT.

Allele frequency attached by ClinVar (database versions not stated): gnomAD exomes below 0.00001; TOPMed below 0.00001; ExAC 0.00001; gnomAD 0.00001.
gnomAD v4.1: 12 of 1,613,952 alleles (0.00074%); highest among the groups gnomAD compares: Middle Eastern, 0.016%; no homozygotes.

Submissions (5):

Fulgent Genetics
Classification: Uncertain significance for Heinz body anemia; Hereditary persistence of fetal hemoglobin; Dominant beta-thalassemia; Hb SS disease; Malaria, susceptibility to; Beta-thalassemia HBB/LCRB; METHEMOGLOBINEMIA, BETA TYPE; Erythrocytosis, familial, 6. Last evaluated: 2024-05-09. Review status: criteria provided, single submitter. Criteria: ACMG Guidelines, 2015. Collection method: clinical testing. Allele origin: germline.

Women's Health and Genetics/Laboratory Corporation of America, LabCorp
Classification: Uncertain significance. Last evaluated: 2023-12-12. Review status: criteria provided, single submitter. Criteria: LabCorp Variant Classification Summary - May 2015. Collection method: clinical testing. Allele origin: germline.
Comment: Variant summary: HBB c.380T>C (p.Val127Ala), also known as Hb Beirut, results in a non-conservative amino acid change located in the Globin domain (IPR000971) of the encoded protein sequence. Four of five in-silico tools predict a benign effect of the variant on protein function. The variant allele was found at a frequency of 4e-06 in 251316 control chromosomes (gnomAD). The available data on variant occurrences in the general population are insufficient to allow any conclusion about variant significance. c.380T>C has been reported in the literature among carriers with normal hematological parameters and normal findings for affinity to bind oxygen and normal stability as determined by the isopropanol test (e.g., Blibech_1986, Strahler_1983). These report(s) do not provide unequivocal conclusions about association of the variant with Hemoglobinopathy. To our knowledge, no quantitative measurements reporting experimental evidence demonstrating an impact on protein function were ascertained. The following publications have been ascertained in the context of this evaluation (PMID: 34272389, 3557996, 26635043, 29790589, 6879181). Two clinical diagnostic laboratories and the OMIM database have submitted clinical-significance assessments for this variant to ClinVar after 2014 without evidence for independent evaluation. One laboratory classified the variant as likely benign, and one laboratory classified the variant as uncertain significance. Based on the evidence outlined above, the variant was classified as VUS-possibly benign.

ARUP Laboratories, Molecular Genetics and Genomics, ARUP Laboratories
Classification: Likely benign. Last evaluated: 2022-04-27. Review status: criteria provided, single submitter. Criteria: ARUP Molecular Germline Variant Investigation Process 2021. Collection method: clinical testing. Allele origin: germline.

Quest Diagnostics Nichols Institute San Juan Capistrano
Classification: Uncertain significance. Last evaluated: 2020-09-04. Review status: criteria provided, single submitter. Criteria: Quest Diagnostics criteria. Collection method: clinical testing. Allele origin: unknown.

OMIM
Classification: other for HEMOGLOBIN BEIRUT. Last evaluated: 2017-12-12. Review status: no assertion criteria provided. Collection method: literature only. Allele origin: germline. Not counted in ClinVar's aggregate classification.

Literature cited by the submitters: PubMed 26635043 (cited by Women's Health and Genetics/Laboratory Corporation of America, LabCorp and Quest Diagnostics Nichols Institute San Juan Capistrano); PubMed 3557996 (cited by 3 submitters); PubMed 29790589 (cited by Women's Health and Genetics/Laboratory Corporation of America, LabCorp); PubMed 6879181 (cited by 3 submitters); PubMed 34272389 (cited by Women's Health and Genetics/Laboratory Corporation of America, LabCorp); PubMed 27032675 (cited by Quest Diagnostics Nichols Institute San Juan Capistrano).